The following is an entry in ClinVar:

ClinVar aggregate classification (germline): Uncertain significance. Review status: criteria provided, multiple submitters, no conflicts (2 of 4 stars). 2 submissions from 2 submitters: Uncertain significance (2). Last evaluated 2024-01-03.

Conditions:
Fanconi renotubular syndrome 2 (FRTS2). Identifiers: MedGen C3150652, MONDO:0013247, OMIM 613388.
Hypophosphatemic nephrolithiasis/osteoporosis 1. Identifiers: Orphanet 244305, MedGen C2676786, MONDO:0012850, OMIM 612286.
Hypercalcemia, infantile, 2 (HCINF2). Identifiers: Orphanet 300547, MedGen C4310473, MONDO:0014851, OMIM 616963.

Allele frequency attached by ClinVar (database versions not stated): gnomAD exomes 0.00001; gnomAD 0.00003; ExAC 0.00004; TOPMed 0.00004.
gnomAD v4.1: 20 of 1,614,084 alleles (0.0012%); highest among the groups gnomAD compares: East Asian, 0.025%; no homozygotes.

Submissions (2):

Fulgent Genetics
Classification: Uncertain significance for Hypophosphatemic nephrolithiasis/osteoporosis 1; Fanconi renotubular syndrome 2; Hypercalcemia, infantile, 2. Last evaluated: 2024-01-03. Review status: criteria provided, single submitter. Criteria: ACMG Guidelines, 2015. Collection method: clinical testing. Allele origin: germline.

Labcorp Genetics (formerly Invitae), Labcorp
Classification: Uncertain significance. Last evaluated: 2022-11-17. Review status: criteria provided, single submitter. Criteria: Invitae Variant Classification Sherloc (09022015). Collection method: clinical testing. Allele origin: germline.
Comment: This variant is present in population databases (rs774126797, gnomAD 0.05%). This variant has not been reported in the literature in individuals affected with SLC34A1-related conditions. Algorithms developed to predict the effect of sequence changes on RNA splicing suggest that this variant is not likely to affect RNA splicing. In summary, the available evidence is currently insufficient to determine the role of this variant in disease. Therefore, it has been classified as a Variant of Uncertain Significance. This sequence change affects codon 430 of the SLC34A1 mRNA. It is a 'silent' change, meaning that it does not change the encoded amino acid sequence of the SLC34A1 protein. It affects a nucleotide within the consensus splice site.

NM_003052.5(SLC34A1):c.1290C>T (p.Ile430=)

Gene: SLC34A1 (solute carrier family 34 member 1; plus strand). Cytogenetic location: 5q35.3.
Variant type: single nucleotide variant.
Coding change: c.1290C>T on transcript NM_003052.5 (MANE Select); coding-DNA position 1290, C replaced by T.
Protein change: p.Ile430=; no amino-acid change (isoleucine 430 retained).
Molecular consequence: synonymous variant.
Genome position (GRCh38, 1-based): chr5:177,396,848, C>T. VCF-style: chr5-177396848-C-T. GRCh37 (hg19) VCF-style: chr5-176823849-C-T.
Identifiers: ClinVar variation 1935751 (VCV001935751.6), dbSNP rs774126797, ClinGen allele CA3580722.